The following is an entry in ClinVar:

ClinVar aggregate classification (germline): Benign (0 of 4 stars; one submission).

Conditions:
PIGS-related disorder. Also called: PIGS-related condition.

Allele frequency attached by ClinVar (database versions not stated): TOPMed 0.00012; gnomAD 0.00062; gnomAD exomes 0.00103; ExAC 0.00249; 1000 Genomes Project 0.00599; 1000 Genomes Project 30x 0.00625.
gnomAD v4.1: 1,612 of 1,614,118 alleles (0.1%); highest among the groups gnomAD compares: South Asian, 1.7%; 26 homozygotes.

Submission:

PreventionGenetics, part of Exact Sciences
Classification: Benign for PIGS-related condition. Last evaluated: 2019-04-05. Review status: no assertion criteria provided. Collection method: clinical testing. Allele origin: germline.
Comment: This variant is classified as benign based on ACMG/AMP sequence variant interpretation guidelines (Richards et al. 2015 PMID: 25741868, with internal and published modifications).

NM_033198.4(PIGS):c.215A>C (p.Glu72Ala)

Gene: PIGS (phosphatidylinositol glycan anchor biosynthesis class S; minus strand). Cytogenetic location: 17q11.2.
Variant type: single nucleotide variant.
Coding change: c.215A>C on transcript NM_033198.4 (MANE Select); coding-DNA position 215, A replaced by C.
Protein change: p.Glu72Ala; replaces glutamic acid 72 with alanine.
Molecular consequence: missense variant.
Genome position (GRCh38, 1-based): chr17:28,570,923, T>G on the plus strand (A>C on the coding strand, the complement: PIGS is on the minus strand). VCF-style: chr17-28570923-T-G. GRCh37 (hg19) VCF-style: chr17-26897941-T-G.
Other names: short protein forms E72A.
Identifiers: ClinVar variation 3037314 (VCV003037314.2), dbSNP rs372172502, ClinGen allele CA8460372.